The following is an entry in ClinVar:

NC_000006.12:g.(?_64902103)_(64902510_?)del

Gene: EYS (eyes shut homolog; minus strand). Cytogenetic location: 6q12.
Variant type: Deletion.
Identifiers: ClinVar variation 832225 (VCV000832225.5).

ClinVar aggregate classification (germline): Pathogenic (1 of 4 stars; one submission).

Submission:

Labcorp Genetics (formerly Invitae), Labcorp
Classification: Pathogenic. Last evaluated: 2022-09-05. Review status: criteria provided, single submitter. Criteria: Invitae Variant Classification Sherloc (09022015). Collection method: clinical testing. Allele origin: germline.
Comment: This variant is a gross deletion of the genomic region encompassing exon(s) 17-18 of the EYS gene. This deletion is out-of-frame, and is expected to create a premature termination codon and result in an absent or disrupted protein product. Loss-of-function variants in EYS are known to be pathogenic (PMID: 18836446, 20333770). This variant has not been reported in the literature in individuals affected with EYS-related conditions. For these reasons, this variant has been classified as Pathogenic.

Literature cited by the submitters: PubMed 18836446; PubMed 20333770.